The following is an entry in ClinVar:

NM_198576.4(AGRN):c.973C>T (p.Pro325Ser)

Gene: AGRN (agrin; plus strand). Cytogenetic location: 1p36.33.
Variant type: single nucleotide variant.
Coding change: c.973C>T on transcript NM_198576.4 (MANE Select); coding-DNA position 973, C replaced by T.
Protein change: p.Pro325Ser; replaces proline 325 with serine.
Molecular consequence: missense variant.
Genome position (GRCh38, 1-based): chr1:1,041,498, C>T. VCF-style: chr1-1041498-C-T. GRCh37 (hg19) VCF-style: chr1-976878-C-T.
Other names: c.973C>T, p.Pro325Ser (NM_001305275.2); c.658C>T, p.Pro220Ser (NM_001364727.2); short protein forms P220S, P325S.
Identifiers: ClinVar variation 1009493 (VCV001009493.5), dbSNP rs891174893, ClinGen allele CA16751603.

ClinVar aggregate classification (germline): Uncertain significance. Review status: criteria provided, multiple submitters, no conflicts (2 of 4 stars). 2 submissions from 2 submitters: Uncertain significance (2). Last evaluated 2024-10-16.

Conditions:
Congenital myasthenic syndrome 8. Also called: MYASTHENIC SYNDROME, CONGENITAL, DUE TO AGRIN DEFICIENCY; Myasthenic syndrome, congenital, 8, with pre- and postsynaptic defects. Identifiers: Orphanet 590, MedGen C3808739, MONDO:0014052, OMIM 615120.

Allele frequency attached by ClinVar (database versions not stated): gnomAD exomes 0.00001 and below 0.00001; TOPMed 0.00006; gnomAD 0.00005.
gnomAD v4.1: 15 of 1,597,266 alleles (0.00094%); highest among the groups gnomAD compares: Admixed American, 0.0017%; no homozygotes.

Submissions (2):

Revvity Omics, Revvity
Classification: Uncertain significance for Congenital myasthenic syndrome 8. Last evaluated: 2024-10-16. Review status: criteria provided, single submitter. Criteria: ACMG Guidelines, 2015. Collection method: clinical testing. Allele origin: germline.

Labcorp Genetics (formerly Invitae), Labcorp
Classification: Uncertain significance for Congenital myasthenic syndrome 8. Last evaluated: 2021-12-01. Review status: criteria provided, single submitter. Criteria: Invitae Variant Classification Sherloc (09022015). Collection method: clinical testing. Allele origin: germline.
Comment: In summary, the available evidence is currently insufficient to determine the role of this variant in disease. Therefore, it has been classified as a Variant of Uncertain Significance. Algorithms developed to predict the effect of missense changes on protein structure and function output the following: SIFT: "Tolerated"; PolyPhen-2: "Possibly Damaging"; Align-GVGD: "Class C0". The serine amino acid residue is found in multiple mammalian species, which suggests that this missense change does not adversely affect protein function. ClinVar contains an entry for this variant (Variation ID: 1009493). This variant has not been reported in the literature in individuals affected with AGRN-related conditions. This variant is present in population databases (no rsID available, gnomAD 0.003%). This sequence change replaces proline, which is neutral and non-polar, with serine, which is neutral and polar, at codon 325 of the AGRN protein (p.Pro325Ser).